The following is an entry in ClinVar:

NM_015404.4(WHRN):c.1988G>A (p.Arg663Lys)

Gene: WHRN (whirlin; minus strand). Cytogenetic location: 9q32.
Variant type: single nucleotide variant.
Coding change: c.1988G>A on transcript NM_015404.4 (MANE Select); coding-DNA position 1988, G replaced by A.
Protein change: p.Arg663Lys; replaces arginine 663 with lysine.
Molecular consequence: missense variant.
Genome position (GRCh38, 1-based): chr9:114,406,603, C>T on the plus strand (G>A on the coding strand, the complement: WHRN is on the minus strand). VCF-style: chr9-114406603-C-T. GRCh37 (hg19) VCF-style: chr9-117168883-C-T.
Other names: c.839G>A, p.Arg280Lys (NM_001083885.3); c.1988G>A, p.Arg663Lys (NM_001173425.2); c.935G>A, p.Arg312Lys (NM_001346890.1); short protein forms R663K, R280K, R312K.
Identifiers: ClinVar variation 969126 (VCV000969126.8), dbSNP rs145308682, ClinGen allele CA5205764.
Genomic context (GRCh38, chr9:114,406,603, plus strand): 5'-ACCCGTGGGAAGGGGCCGATGGGGTGTTGGTTGACCAGGGCCAGATGGGCGTCCAGCGGC[C>T]TCTTGGAGCTGGGGTTGGCAGGGGAGACGGAGGCATAGATGGGGGAAGAGGGCAAGTCCT-3'
Protein context (NP_056219.3, residues 653-673): SVSPANPSSK[Arg663Lys]PLDAHLALVN

ClinVar aggregate classification (germline): Uncertain significance. Review status: criteria provided, multiple submitters, no conflicts (2 of 4 stars). 2 submissions from 2 submitters: Uncertain significance (2). Last evaluated 2025-01-15.

Allele frequency attached by ClinVar (database versions not stated): ExAC 0.00003; gnomAD exomes 0.00003; gnomAD 0.00005; TOPMed 0.00008; ESP Exome Variant Server 0.00015.
gnomAD v4.1: 108 of 1,610,640 alleles (0.0067%); highest among the groups gnomAD compares: Non-Finnish European, 0.0088%; no homozygotes.

Submissions (2):

Labcorp Genetics (formerly Invitae), Labcorp
Classification: Uncertain significance. Last evaluated: 2025-01-15. Review status: criteria provided, single submitter. Criteria: Invitae Variant Classification Sherloc (09022015). Collection method: clinical testing. Allele origin: germline.
Comment: This sequence change replaces arginine, which is basic and polar, with lysine, which is basic and polar, at codon 663 of the WHRN protein (p.Arg663Lys). This variant is present in population databases (rs145308682, gnomAD 0.008%). This variant has not been reported in the literature in individuals affected with WHRN-related conditions. ClinVar contains an entry for this variant (Variation ID: 969126). An algorithm developed to predict the effect of missense changes on protein structure and function outputs the following: PolyPhen-2: "Benign". The lysine amino acid residue is found in multiple mammalian species, which suggests that this missense change does not adversely affect protein function. In summary, the available evidence is currently insufficient to determine the role of this variant in disease. Therefore, it has been classified as a Variant of Uncertain Significance.

Blueprint Genetics
Classification: Uncertain significance. Last evaluated: 2024-04-25. Review status: criteria provided, single submitter. Criteria: ACMG Guidelines, 2015. Collection method: clinical testing. Allele origin: germline.